The following is an entry in ClinVar:

ClinVar aggregate classification (germline): Uncertain significance. Review status: criteria provided, multiple submitters, no conflicts (2 of 4 stars). 2 submissions from 2 submitters: Uncertain significance (2). Last evaluated 2024-03-06.

Conditions:
Hereditary cancer-predisposing syndrome. Also called: Neoplastic Syndromes, Hereditary; Tumor predisposition; Hereditary Cancer Syndrome; Hereditary neoplastic syndrome. Identifiers: Orphanet 140162, MedGen C0027672, MeSH D009386, MONDO:0015356.

Submissions (2):

Color Diagnostics, LLC DBA Color Health
Classification: Uncertain significance for Hereditary cancer-predisposing syndrome. Last evaluated: 2024-03-06. Review status: criteria provided, single submitter. Criteria: ACMG Guidelines, 2015. Collection method: clinical testing. Allele origin: germline.
Comment: This missense variant replaces lysine with threonine at codon 649 of the PALB2 protein. Computational prediction tool suggests that this variant may not impact protein structure and function (internally defined REVEL score threshold <=0.5, PMID: 27666373). Splice site prediction tools suggest that this variant may not impact RNA splicing. To our knowledge, functional studies have not been performed for this variant. This variant has not been reported in individuals affected with hereditary cancer in the literature. This variant has not been identified in the general population by the Genome Aggregation Database (gnomAD). The available evidence is insufficient to determine the role of this variant in disease conclusively. Therefore, this variant is classified as a Variant of Uncertain Significance.

GeneDx
Classification: Uncertain significance. Last evaluated: 2023-07-18. Review status: criteria provided, single submitter. Criteria: GeneDx Variant Classification Process June 2021. Collection method: clinical testing. Allele origin: germline. Affected: yes.
Comment: Not observed at significant frequency in large population cohorts (gnomAD); In silico analysis supports that this missense variant does not alter protein structure/function; Has not been previously published as pathogenic or benign to our knowledge; This variant is associated with the following publications: (PMID: 20871615)

NM_024675.4(PALB2):c.1946A>C (p.Lys649Thr)

Gene: PALB2 (partner and localizer of BRCA2; minus strand). Cytogenetic location: 16p12.2.
Variant type: single nucleotide variant.
Coding change: c.1946A>C on transcript NM_024675.4 (MANE Select); coding-DNA position 1946, A replaced by C.
Protein change: p.Lys649Thr; replaces lysine 649 with threonine.
Molecular consequence: missense variant.
Genome position (GRCh38, 1-based): chr16:23,630,208, T>G on the plus strand (A>C on the coding strand, the complement: PALB2 is on the minus strand). VCF-style: chr16-23630208-T-G. GRCh37 (hg19) VCF-style: chr16-23641529-T-G.
Other names: short protein forms K649T.
Identifiers: ClinVar variation 925698 (VCV000925698.5), dbSNP rs1966863018, ClinGen allele CA395127415.
Genomic context (GRCh38, chr16:23,630,208, plus strand): 5'-TCCATTTCTGTATCCATGCGTTTAGGACTCAGTTCCTCTGGAAAAATACAGCTTCCCTCT[T>G]TAAGATGTCTCTCTCCAAACATTTTTGACTCAAAGGGCTCCACTGGTTTTTCTGAGCAGG-3'
Protein context (NP_078951.2, residues 639-659): ESKMFGERHL[Lys649Thr]EGSCIFPEEL